The following is an entry in ClinVar:

ClinVar aggregate classification (germline): Uncertain significance. Review status: criteria provided, multiple submitters, no conflicts (2 of 4 stars). 2 submissions from 2 submitters: Uncertain significance (2). Last evaluated 2023-03-03.

Conditions:
Mowat-Wilson syndrome (MOWS). Also called: Classic Mowat-Wilson Syndrome. Identifiers: Orphanet 2152, MedGen C1856113, MONDO:0009341, OMIM 235730.

Allele frequency attached by ClinVar (database versions not stated): gnomAD exomes below 0.00001.
gnomAD v4.1: 1 of 1,612,908 alleles (0.000062%); highest among the groups gnomAD compares: Non-Finnish European, 0.000085%; no homozygotes.

Submissions (2):

Labcorp Genetics (formerly Invitae), Labcorp
Classification: Uncertain significance for Mowat-Wilson syndrome. Last evaluated: 2023-03-03. Review status: criteria provided, single submitter. Criteria: Invitae Variant Classification Sherloc (09022015). Collection method: clinical testing. Allele origin: germline.
Comment: In summary, the available evidence is currently insufficient to determine the role of this variant in disease. Therefore, it has been classified as a Variant of Uncertain Significance. Advanced modeling of protein sequence and biophysical properties (such as structural, functional, and spatial information, amino acid conservation, physicochemical variation, residue mobility, and thermodynamic stability) performed at Invitae indicates that this missense variant is not expected to disrupt ZEB2 protein function. ClinVar contains an entry for this variant (Variation ID: 181746). This variant has not been reported in the literature in individuals affected with ZEB2-related conditions. This variant is not present in population databases (gnomAD no frequency). This sequence change replaces arginine, which is basic and polar, with glycine, which is neutral and non-polar, at codon 1093 of the ZEB2 protein (p.Arg1093Gly).

GeneDx
Classification: Uncertain significance. Last evaluated: 2013-01-29. Review status: criteria provided, single submitter. Criteria: GeneDx Variant Classification (06012015). Collection method: clinical testing. Allele origin: germline. Affected: yes.
Comment: This variant is denoted p.Arg1093Gly at the protein level, c.3277 C>G at the cDNA level, and results in the change of an Arginine for a Glycine (CGC>GGC) in exon 10 of the ZEB2 gene (NM_014795.2). The Arg1093Gly missense change has not been published as a mutation, nor has it been reported as a benign polymorphism to our knowledge. The NHLBI ESP Exome Variant Project has not identified Arg1093Gly in approximately 6,500 individuals of European or African American ethnicity, indicating that it is not a common benign variant in these populations. The amino acid substitution is non-conservative, as a positively charged Arginine residue is replaced by an uncharged, non-polar Glycine residue. It alters a highly conserved position in the protein, and multiple in silico algorithms predict it may be damaging to protein structure/function. However, missense mutations in the ZEB2 gene are rare and have been identified in less than 2% of patients with Mowat- Wilson syndrome (Garavelli et al., 2009). Therefore, based on the currently available information, it is unclear whether Arg1093Gly is a disease-causing mutation or a rare benign variant. The variant is found in INFANT-EPI panel(s).

NM_014795.4(ZEB2):c.3277C>G (p.Arg1093Gly)

Gene: ZEB2 (zinc finger E-box binding homeobox 2; minus strand). Cytogenetic location: 2q22.3.
Variant type: single nucleotide variant.
Coding change: c.3277C>G on transcript NM_014795.4 (MANE Select); coding-DNA position 3277, C replaced by G.
Protein change: p.Arg1093Gly; replaces arginine 1093 with glycine.
Molecular consequence: missense variant.
Genome position (GRCh38, 1-based): chr2:144,389,819, G>C on the plus strand (C>G on the coding strand, the complement: ZEB2 is on the minus strand). VCF-style: chr2-144389819-G-C. GRCh37 (hg19) VCF-style: chr2-145147386-G-C.
Other names: p.R1093G:CGC>GGC; c.3205C>G, p.Arg1069Gly (NM_001171653.2); short protein forms R1093G, R1069G.
Identifiers: ClinVar variation 181746 (VCV000181746.6), dbSNP rs730881203, ClinGen allele CA297619.